The following is an entry in ClinVar:

ClinVar aggregate classification (germline): Pathogenic. Review status: reviewed by expert panel (3 of 4 stars). 9 submissions from 9 submitters: Pathogenic (1). 8 of the submissions do not count toward it. Last evaluated 2025-11-11.

Conditions:
MYH7-related disorder. Also called: MYH7-related condition; MYH7-related disease; MYH7-related disorders.
Dilated cardiomyopathy 1S (CMD1S). Identifiers: Orphanet 154, Orphanet 54260, MedGen C1834481, MONDO:0013262, OMIM 613426.
Restrictive cardiomyopathy. Identifiers: Orphanet 217632, MedGen C0007196, MeSH D002313, MONDO:0005201, HP:0001723.
Hypertrophic cardiomyopathy. Also called: HYPERTROPHIC MYOCARDIOPATHY. Identifiers: Orphanet 217569, MedGen C0007194, MeSH D002312, MONDO:0005045, HP:0001639.

Submissions (9):

ClinGen Cardiomyopathy Variant Curation Expert Panel
Classification: Pathogenic for Hypertrophic cardiomyopathy. Last evaluated: 2025-11-11. Review status: reviewed by expert panel. Criteria: ClinGen CMP ACMG Specifications MYH7 V2.0.0. Collection method: curation. Allele origin: germline. Inheritance: Autosomal dominant inheritance.
Comment: The c.2513C>T (p.Pro838Leu) variant in MYH7 has been reported as a de novo occurrence in two individuals with restrictive cardiomyopathy (PS4_Supporting and PS2: PMID:18380764; Partners LMM ClinVar SCV000059450.5). This variant was absent from large population studies (PM2). This variant lies in the head region of the protein (aa 181-937) and missense variants in this region are statistically more likely to be disease-associated (PM1; PMID:27532257). Computational prediction tools and conservation analysis suggest that this variant may impact the protein (PP3). In summary, this variant meets criteria to be classified as pathogenic for restrictive cardiomyopathy in an autosomal dominant manner. MYH7-specific ACMG/AMP criteria applied (PMID:29300372): PS2; PM1; PM2; PP3; PS4_ Supporting

PreventionGenetics, part of Exact Sciences
Classification: Pathogenic for MYH7-related condition. Last evaluated: 2024-11-01. Review status: criteria provided, single submitter. Criteria: ACMG Guidelines, 2015. Collection method: clinical testing. Allele origin: germline. Not counted in ClinVar's aggregate classification.
Comment: The MYH7 c.2513C>T variant is predicted to result in the amino acid substitution p.Pro838Leu. This variant was reported in multiple individuals with congestive heart failure, restrictive cardiomyopathy, or left ventricular noncompaction (Wang et al. 2017. PubMed ID: 28855170; Kelly et al. 2018. PubMed ID: 29300372, Table S4; Hirono et al. 2020. PubMed ID: 32600061, Table S5). This variant was also reported to have occurred de novo in two individuals with restrictive cardiomyopathy (Karam et al. 2008. PubMed ID: 18380764) or idiopathic dilated cardiomyopathy (Sajid et al. 2017. PubMed ID: 27965028). This variant has not been reported in a large population database (gnomAD), indicating this variant is rare. This variant is interpreted as pathogenic.

Labcorp Genetics (formerly Invitae), Labcorp
Classification: Pathogenic for Hypertrophic cardiomyopathy. Last evaluated: 2024-10-21. Review status: criteria provided, single submitter. Criteria: Invitae Variant Classification Sherloc (09022015). Collection method: clinical testing. Allele origin: germline. Not counted in ClinVar's aggregate classification.
Comment: This sequence change replaces proline, which is neutral and non-polar, with leucine, which is neutral and non-polar, at codon 838 of the MYH7 protein (p.Pro838Leu). This variant is not present in population databases (gnomAD no frequency). This missense change has been observed in individual(s) with dilated cardiomyopathy (DCM) or restrictive cardiomyopathy (RCM), and left-ventricular non-compaction (LVNC) (PMID: 18380764, 27965028, 28855170, 29300372). In at least one individual the variant was observed to be de novo. ClinVar contains an entry for this variant (Variation ID: 42910). Invitae Evidence Modeling of protein sequence and biophysical properties (such as structural, functional, and spatial information, amino acid conservation, physicochemical variation, residue mobility, and thermodynamic stability) indicates that this missense variant is expected to disrupt MYH7 protein function with a positive predictive value of 95%. This variant is found within a region of MYH7 between codons 181 and 937 that contains the majority of the myosin head domain. Missense variants in this region have been shown to be significantly overrepresented in individuals with hypertrophic cardiomyopathy (PMID: 27532257). For these reasons, this variant has been classified as Pathogenic.

Blueprint Genetics
Classification: Pathogenic for MYH7-related disorders. Last evaluated: 2023-08-22. Review status: criteria provided, single submitter. Criteria: ACMG Guidelines, 2015. Collection method: clinical testing. Allele origin: germline. Affected: yes. Observed: 2 variant alleles. Not counted in ClinVar's aggregate classification.

Institute of Medical Genetics and Applied Genomics, University Hospital Tübingen
Classification: Pathogenic. Last evaluated: 2020-10-23. Review status: criteria provided, single submitter. Criteria: ACMG Guidelines, 2015. Collection method: clinical testing. Allele origin: germline. Inheritance: Autosomal unknown. Affected: yes. Not counted in ClinVar's aggregate classification.

Revvity Omics, Revvity
Classification: Pathogenic. Last evaluated: 2020-10-08. Review status: criteria provided, single submitter. Criteria: ACMG Guidelines, 2015. Collection method: clinical testing. Allele origin: germline. Not counted in ClinVar's aggregate classification.

Institute of Human Genetics, University of Leipzig Medical Center
Classification: Pathogenic for Dilated cardiomyopathy 1S. Last evaluated: 2019-02-08. Review status: criteria provided, single submitter. Criteria: ACMG Guidelines, 2015. Collection method: clinical testing. Allele origin: de novo. Affected: yes. Observed: 1 variant allele. Not counted in ClinVar's aggregate classification.
Comment: This variant was identified as de novo (maternity and paternity confirmed).

Laboratory for Molecular Medicine, Mass General Brigham Personalized Medicine
Classification: Pathogenic for Restrictive cardiomyopathy. Last evaluated: 2013-11-19. Review status: criteria provided, single submitter. Criteria: LMM Criteria. Collection method: clinical testing. Allele origin: germline. Inheritance: Autosomal dominant inheritance. Observed: 1 variant allele. Not counted in ClinVar's aggregate classification.
Comment: proposed classification - variant undergoing re-assessment, contact laboratory

Eurofins Ntd Llc (ga)
Classification: Pathogenic. Last evaluated: 2013-03-12. Review status: criteria provided, single submitter. Criteria: EGL Classification Definitions. Collection method: clinical testing. Allele origin: germline. Observed: 1 variant allele, 1 heterozygote. Not counted in ClinVar's aggregate classification.

Literature cited by the submitters: PubMed 18380764 (cited by 3 submitters); PubMed 27532257 (cited by ClinGen Cardiomyopathy Variant Curation Expert Panel and Labcorp Genetics (formerly Invitae), Labcorp); PubMed 29300372 (cited by ClinGen Cardiomyopathy Variant Curation Expert Panel and Labcorp Genetics (formerly Invitae), Labcorp); PubMed 27965028 (cited by Labcorp Genetics (formerly Invitae), Labcorp); PubMed 28855170 (cited by Labcorp Genetics (formerly Invitae), Labcorp).

NM_000257.4(MYH7):c.2513C>T (p.Pro838Leu)

Genes: MYH7 (myosin heavy chain 7; minus strand), LOC126861898 (BRD4-independent group 4 enhancer GRCh37_chr14:23893609-23894808; plus strand). Cytogenetic location: 14q11.2.
Variant type: single nucleotide variant.
Coding change: c.2513C>T on transcript NM_000257.4 (MANE Select); coding-DNA position 2513, C replaced by T.
Protein change: p.Pro838Leu; replaces proline 838 with leucine.
Molecular consequence: missense variant.
Genome position (GRCh38, 1-based): chr14:23,424,935, G>A on the plus strand (C>T on the coding strand, the complement: MYH7 is on the minus strand). VCF-style: chr14-23424935-G-A. GRCh37 (hg19) VCF-style: chr14-23894144-G-A.
Other names: NM_000257.3(MYH7):c.2513C>T; NM_000257.4(MYH7):c.2513C>T; short protein forms P838L.
Identifiers: ClinVar variation 42910 (VCV000042910.28), dbSNP rs397516153, ClinGen allele CA012515.